The following is an entry in ClinVar:

NM_000937.5(POLR2A):c.83C>T (p.Pro28Leu)

Gene: POLR2A (RNA polymerase II subunit A; plus strand). Cytogenetic location: 17p13.1.
Variant type: single nucleotide variant.
Coding change: c.83C>T on transcript NM_000937.5 (MANE Select); coding-DNA position 83, C replaced by T.
Protein change: p.Pro28Leu; replaces proline 28 with leucine.
Molecular consequence: missense variant.
Genome position (GRCh38, 1-based): chr17:7,484,847, C>T. VCF-style: chr17-7484847-C-T. GRCh37 (hg19) VCF-style: chr17-7388166-C-T.
Other names: short protein forms P28L.
Identifiers: ClinVar variation 2578126 (VCV002578126.2), dbSNP rs1388837601, ClinGen allele CA397849429.

ClinVar aggregate classification (germline): Uncertain significance. Review status: criteria provided, multiple submitters, no conflicts (2 of 4 stars). 2 submissions from 2 submitters: Uncertain significance (2). Last evaluated 2024-07-26.

Conditions:
Inborn genetic diseases. Identifiers: MedGen C0950123, MeSH D030342.

Submissions (2):

Ambry Genetics
Classification: Uncertain significance for Inborn genetic diseases. Last evaluated: 2024-07-26. Review status: criteria provided, single submitter. Criteria: Ambry Variant Classification Scheme 2023. Collection method: clinical testing. Allele origin: germline.

GeneDx
Classification: Uncertain significance. Last evaluated: 2023-02-28. Review status: criteria provided, single submitter. Criteria: GeneDx Variant Classification Process June 2021. Collection method: clinical testing. Allele origin: germline. Affected: yes.
Comment: In silico analysis supports that this missense variant has a deleterious effect on protein structure/function; Has not been previously published as pathogenic or benign to our knowledge